The following is an entry in ClinVar:

ClinVar aggregate classification (germline): Uncertain significance (1 of 4 stars; one submission).

Conditions:
Primary ciliary dyskinesia. Also called: Ciliary dyskinesia. Identifiers: Orphanet 244, MedGen C0008780, MONDO:0016575, HP:0012265.

Submission:

Labcorp Genetics (formerly Invitae), Labcorp
Classification: Uncertain significance for Primary ciliary dyskinesia. Last evaluated: 2022-02-20. Review status: criteria provided, single submitter. Criteria: Invitae Variant Classification Sherloc (09022015). Collection method: clinical testing. Allele origin: germline.
Comment: In summary, the available evidence is currently insufficient to determine the role of this variant in disease. Therefore, it has been classified as a Variant of Uncertain Significance. Experimental studies and prediction algorithms are not available or were not evaluated, and the functional significance of this variant is currently unknown. This variant has not been reported in the literature in individuals affected with RPGR (ORF15)-related conditions. The frequency data for this variant in the population databases is considered unreliable, as metrics indicate poor data quality at this position in the gnomAD database. This variant, c.2520_2561del, results in the deletion of 14 amino acid(s) of the RPGR (ORF15) protein (p.Glu843_Gly856del), but otherwise preserves the integrity of the reading frame.

NM_001034853.2(RPGR):c.2520_2561del (p.829EEEEGEG[2])

Gene: RPGR (retinitis pigmentosa GTPase regulator; minus strand). Cytogenetic location: Xp11.4.
Variant type: Deletion.
Coding change: c.2520_2561del on transcript NM_001034853.2 (MANE Select); coding-DNA positions 2520 to 2561, 42 bases deleted.
Protein change: p.829EEEEGEG[2].
Molecular consequence: inframe deletion. On other transcripts: intron variant (8).
Genome position (GRCh38, 1-based): chrX:38,286,438-38,286,479, 42 bases deleted; deleting any 42 consecutive bases within chrX:38,286,438-38,286,499 gives the same sequence; the c. name uses the placement nearest the transcript's 3' end. GRCh37 (hg19): chrX:38,145,711-38,145,752.
Other names: c.1569+4480_1569+4521del (NM_001367249.1, NM_001367250.1); c.1902+615_1902+656del (NM_001367245.1); c.1386+4480_1386+4521del (NM_001367251.1); c.1719+615_1719+656del (NM_001367246.1); c.1572+4480_1572+4521del (NM_001367247.1); c.1905+615_1905+656del (NM_000328.3); c.1602+4480_1602+4521del (NM_001367248.1).
Identifiers: ClinVar variation 2143866 (VCV002143866.4), dbSNP rs751710678, ClinGen allele CA640956469.